The following is an entry in ClinVar:

ClinVar aggregate classification (germline): Uncertain significance. Review status: criteria provided, multiple submitters, no conflicts (2 of 4 stars). 2 submissions from 2 submitters: Uncertain significance (2). Last evaluated 2025-02-13.

gnomAD v4.1: 1 of 1,614,184 alleles (0.000062%); highest among the groups gnomAD compares: Middle Eastern, 0.016%; no homozygotes.

Submissions (2):

Ambry Genetics
Classification: Uncertain significance. Last evaluated: 2025-02-13. Review status: criteria provided, single submitter. Criteria: Ambry Variant Classification Scheme 2023. Collection method: clinical testing. Allele origin: germline.
Comment: The p.I175T variant (also known as c.524T>C), located in coding exon 1 of the MLH3 gene, results from a T to C substitution at nucleotide position 524. The isoleucine at codon 175 is replaced by threonine, an amino acid with similar properties. This amino acid position is conserved. In addition, this alteration is predicted to be deleterious by in silico analysis. Based on the available evidence, the clinical significance of this variant remains unclear.

Blueprint Genetics
Classification: Uncertain significance. Last evaluated: 2024-08-02. Review status: criteria provided, single submitter. Criteria: ACMG Guidelines, 2015. Collection method: clinical testing. Allele origin: germline.

NM_001040108.2(MLH3):c.524T>C (p.Ile175Thr)

Gene: MLH3 (mutL homolog 3; minus strand). Cytogenetic location: 14q24.3.
Variant type: single nucleotide variant.
Coding change: c.524T>C on transcript NM_001040108.2 (MANE Select); coding-DNA position 524, T replaced by C.
Protein change: p.Ile175Thr; replaces isoleucine 175 with threonine.
Molecular consequence: missense variant.
Genome position (GRCh38, 1-based): chr14:75,049,132, A>G on the plus strand (T>C on the coding strand, the complement: MLH3 is on the minus strand). VCF-style: chr14-75049132-A-G. GRCh37 (hg19) VCF-style: chr14-75515835-A-G.
Other names: c.524T>C, p.Ile175Thr (NM_014381.3); short protein forms I175T.
Identifiers: ClinVar variation 3873525 (VCV003873525.2).